The following is an entry in ClinVar:

ClinVar aggregate classification (germline): Benign/Likely benign. Review status: criteria provided, multiple submitters, no conflicts (2 of 4 stars). 3 submissions from 3 submitters: Benign (1); Likely benign (2). Last evaluated 2024-09-24.

Conditions:
Hereditary cancer-predisposing syndrome. Also called: Tumor predisposition; Neoplastic Syndromes, Hereditary; Hereditary Cancer Syndrome; Hereditary neoplastic syndrome. Identifiers: Orphanet 140162, MedGen C0027672, MeSH D009386, MONDO:0015356.
Hereditary diffuse gastric adenocarcinoma (HDGC). Also called: DIFFUSE GASTRIC AND LOBULAR BREAST CANCER SYNDROME. Identifiers: Orphanet 26106, MedGen C1708349, MONDO:0007648, OMIM 137215.

Submissions (3):

Myriad Genetics, Inc.
Classification: Benign for Hereditary diffuse gastric adenocarcinoma. Last evaluated: 2024-09-24. Review status: criteria provided, single submitter. Criteria: Myriad Autosomal Dominant, Autosomal Recessive and X-Linked Classification Criteria (2023). Collection method: clinical testing. Allele origin: unknown.
Comment: This variant is considered benign. This variant is a silent/synonymous amino acid change and it is not expected to impact splicing.

Ambry Genetics
Classification: Likely benign for Hereditary cancer-predisposing syndrome. Last evaluated: 2024-07-16. Review status: criteria provided, single submitter. Criteria: Ambry Variant Classification Scheme 2023. Collection method: clinical testing. Allele origin: germline.

Labcorp Genetics (formerly Invitae), Labcorp
Classification: Likely benign for Hereditary diffuse gastric adenocarcinoma. Last evaluated: 2019-12-04. Review status: criteria provided, single submitter. Criteria: Invitae Variant Classification Sherloc (09022015). Collection method: clinical testing. Allele origin: germline.

NM_004360.5(CDH1):c.2466C>T (p.Pro822=)

Gene: CDH1 (cadherin 1; plus strand). Cytogenetic location: 16q22.1.
Variant type: single nucleotide variant.
Coding change: c.2466C>T on transcript NM_004360.5 (MANE Select); coding-DNA position 2466, C replaced by T.
Protein change: p.Pro822=; no amino-acid change (proline 822 retained).
Molecular consequence: synonymous variant.
Genome position (GRCh38, 1-based): chr16:68,833,316, C>T. VCF-style: chr16-68833316-C-T. GRCh37 (hg19) VCF-style: chr16-68867219-C-T.
Other names: c.2283C>T, p.Pro761= (NM_001317184.2); c.918C>T, p.Pro306= (NM_001317185.2); c.501C>T, p.Pro167= (NM_001317186.2); c.2466C>T (NM_004360.3).
Identifiers: ClinVar variation 1092207 (VCV001092207.11), dbSNP rs2152143868, ClinGen allele CA496393022.